The following is an entry in ClinVar:

ClinVar aggregate classification (germline): Uncertain significance (1 of 4 stars; one submission).

Conditions:
Early-infantile DEE. Also called: Early infantile epileptic encephalopathy with suppression bursts; Early infantile epileptic encephalopathy; Ohtahara syndrome. Identifiers: Orphanet 1934, MedGen C0393706, MONDO:0800491.

Submission:

Labcorp Genetics (formerly Invitae), Labcorp
Classification: Uncertain significance for Early-infantile DEE. Last evaluated: 2021-09-01. Review status: criteria provided, single submitter. Criteria: Invitae Variant Classification Sherloc (09022015). Collection method: clinical testing. Allele origin: germline.
Comment: This sequence change replaces lysine with glutamic acid at codon 841 of the SPTAN1 protein (p.Lys841Glu). The lysine residue is highly conserved and there is a small physicochemical difference between lysine and glutamic acid. This variant is not present in population databases (ExAC no frequency). This variant has not been reported in the literature in individuals affected with SPTAN1-related conditions. Algorithms developed to predict the effect of missense changes on protein structure and function (SIFT, PolyPhen-2, Align-GVGD) all suggest that this variant is likely to be tolerated. In summary, the available evidence is currently insufficient to determine the role of this variant in disease. Therefore, it has been classified as a Variant of Uncertain Significance.

NM_001130438.3(SPTAN1):c.2521A>G (p.Lys841Glu)

Gene: SPTAN1 (spectrin alpha, non-erythrocytic 1; plus strand). Cytogenetic location: 9q34.11.
Variant type: single nucleotide variant.
Coding change: c.2521A>G on transcript NM_001130438.3 (MANE Select); coding-DNA position 2521, A replaced by G.
Protein change: p.Lys841Glu; replaces lysine 841 with glutamic acid.
Molecular consequence: missense variant.
Genome position (GRCh38, 1-based): chr9:128,584,804, A>G. VCF-style: chr9-128584804-A-G. GRCh37 (hg19) VCF-style: chr9-131347083-A-G.
Other names: c.2521A>G, p.Lys841Glu (NM_001195532.2, NM_001363759.2, NM_001363765.2 and 5 more transcripts); c.2557A>G, p.Lys853Glu (NM_001375312.2, NM_001375318.1); short protein forms K841E, K853E.
Identifiers: ClinVar variation 1482537 (VCV001482537.7), dbSNP rs2131170781, ClinGen allele CA375057936.
Genomic context (GRCh38, chr9:128,584,804, plus strand): 5'-AATCTGCTAAAGAAACATCAAGCCTTACAAGCAGAAATTGCTGGACATGAACCACGCATC[A>G]AAGCAGTTACACAGAAGGGGAATGCCATGGTGGAGGAAGGTGAGTGATTGGTATCAGTGA-3'
Protein context (NP_001123910.1, residues 831-851): AEIAGHEPRI[Lys841Glu]AVTQKGNAMV